The following is an entry in ClinVar:

ClinVar aggregate classification (germline): Conflicting classifications of pathogenicity. Review status: criteria provided, conflicting classifications (1 of 4 stars). 3 submissions from 3 submitters: Likely pathogenic (1); Uncertain significance (1). 1 of the submissions does not count toward it. Last evaluated 2026-07-20.

Conditions:
Alport syndrome. Also called: Hemorrhagic familial nephritis; Hemorrhagic hereditary nephritis; Congenital hereditary hematuria. Identifiers: Orphanet 63, MedGen C1567741, MONDO:0018965.
Inborn genetic diseases. Identifiers: MedGen C0950123, MeSH D030342.
COL4A4-related disorder.

Submissions (3):

Ambry Genetics
Classification: Uncertain significance for Inborn genetic diseases. Last evaluated: 2026-07-20. Review status: criteria provided, single submitter. Criteria: Ambry Variant Classification Scheme 2023. Collection method: clinical testing. Allele origin: germline.
Comment: The c.2843G>T (p.G948V) alteration is located in exon 31 (coding exon 30) of the COL4A4 gene. This alteration results from a G to T substitution at nucleotide position 2843, causing the glycine (G) at amino acid position 948 to be replaced by a valine (V). Based on data from gnomAD, the T allele has an overall frequency of <0.001% (1/249568) total alleles studied. The highest observed frequency was 0.001% (1/113280) of European (non-Finnish) alleles. Based on insufficient or conflicting evidence, the clinical significance of this alteration remains unclear.

Natera, Inc.
Classification: Likely pathogenic for Alport syndrome. Last evaluated: 2025-09-04. Review status: criteria provided, single submitter. Criteria: Natera Variant Classification Schema (03/2026). Collection method: clinical testing. Allele origin: germline.
Comment: The c.2843G>T variant in COL4A4 is a missense variant predicted to cause substitution of glycine to valine at amino acid 948. This variant is rare in the general population with a frequency below the threshold expected for the associated phenotype(s). This variant is located in a functionally critical region of the protein. Computational prediction algorithms indicate this variant is likely to affect gene or protein function. Given the available evidence, this variant is classified as Likely Pathogenic.

PreventionGenetics, part of Exact Sciences
Classification: Likely pathogenic for COL4A4-related condition. Last evaluated: 2024-06-03. Review status: no assertion criteria provided. Collection method: clinical testing. Allele origin: germline. Not counted in ClinVar's aggregate classification.
Comment: The COL4A4 c.2843G>T variant is predicted to result in the amino acid substitution p.Gly948Val. To our knowledge, this variant has not been reported in the literature. This variant is reported in 0.00088% of alleles in individuals of European (Non-Finnish) descent in gnomAD. The Gly948Val variant affects a Gly residue of the conserved triple helical domain (residues 65 – 1459) of the COL4A4 protein. The majority of pathogenic variants in COL4A4 substitute a glycine residue to a bulkier amino acid in the triple-helical domain (Hudson et al. 1993. PubMed ID: 8253711). This variant is interpreted as likely pathogenic.

NM_000092.5(COL4A4):c.2843G>T (p.Gly948Val)

Gene: COL4A4 (collagen type IV alpha 4 chain; minus strand). Cytogenetic location: 2q36.3.
Variant type: single nucleotide variant.
Coding change: c.2843G>T on transcript NM_000092.5 (MANE Select); coding-DNA position 2843, G replaced by T.
Protein change: p.Gly948Val; replaces glycine 948 with valine.
Molecular consequence: missense variant.
Genome position (GRCh38, 1-based): chr2:227,054,611, C>A on the plus strand (G>T on the coding strand, the complement: COL4A4 is on the minus strand). VCF-style: chr2-227054611-C-A. GRCh37 (hg19) VCF-style: chr2-227919327-C-A.
Other names: short protein forms G948V.
Identifiers: ClinVar variation 3347071 (VCV003347071.3).